The following is an entry in ClinVar:

ClinVar aggregate classification (germline): Pathogenic (1 of 4 stars; one submission).

Conditions:
DICER1-related tumor predisposition. Also called: DICER1-related pleuropulmonary blastoma cancer predisposition syndrome; DICER1 syndrome. Identifiers: Orphanet 284343, MedGen C3839822, MONDO:0100216.

Submission:

Foulkes Cancer Genetics LDI, Lady Davis Institute for Medical Research
Classification: Pathogenic for Pleuropulmonary blastoma. Last evaluated: 2019-07-01. Review status: criteria provided, single submitter. Criteria: ACMG Guidelines, 2015. Collection method: curation. Allele origin: somatic. Affected: yes. Observed: 1 variant allele.
Comment: ACMG criteria met: PVS1, PM2, PM7

NM_177438.3(DICER1):c.904-1G>A

Gene: DICER1 (dicer 1, ribonuclease III; minus strand). Cytogenetic location: 14q32.13.
Variant type: single nucleotide variant.
Coding change: c.904-1G>A on transcript NM_177438.3 (MANE Select); the canonical splice acceptor site of the intron before coding-DNA position 904, G replaced by A.
Molecular consequence: splice acceptor variant.
Genome position (GRCh38, 1-based): chr14:95,124,669, C>T on the plus strand (G>A on the coding strand, the complement: DICER1 is on the minus strand). VCF-style: chr14-95124669-C-T. GRCh37 (hg19) VCF-style: chr14-95591006-C-T.
Other names: c.-665-1G>A (NM_001395697.1); c.904-1G>A (NM_001395679.1, NM_001395682.1, NM_001271282.3 and 14 more transcripts); c.499-1G>A (NM_001395696.1, NM_001395698.1, NM_001395690.1 and 3 more transcripts); c.622-1G>A (NM_001395686.1); c.337-1G>A (NM_001395691.1).
Identifiers: ClinVar variation 933003 (VCV000933003.3), dbSNP rs1566803555, ClinGen allele CA390887404.